The following is an entry in ClinVar:

NM_001308093.3(GATA4):c.558C>A (p.Ser186Arg)

Gene: GATA4 (GATA binding protein 4). Cytogenetic location: 8p23.1.
Variant type: single nucleotide variant.
Coding change: c.558C>A on transcript NM_001308093.3 (MANE Select); coding-DNA position 558, C replaced by A.
Protein change: p.Ser186Arg; replaces serine 186 with arginine.
Molecular consequence: missense variant. On other transcripts: intron variant (3).
Genome position (GRCh38, 1-based): chr8:11,708,870, C>A. VCF-style: chr8-11708870-C-A. GRCh37 (hg19) VCF-style: chr8-11566379-C-A.
Other names: c.558C>A, p.Ser186Arg (NM_002052.5); c.-6+8092C>A (NM_001308094.2); c.-3+856C>A (NM_001374274.1); c.-3+4566C>A (NM_001374273.1); c.558C>A (NM_002052.4); short protein forms S186R.
Identifiers: ClinVar variation 4527321 (VCV004527321.2).

ClinVar aggregate classification (germline): Uncertain significance. Review status: criteria provided, multiple submitters, no conflicts (2 of 4 stars). 2 submissions from 2 submitters: Uncertain significance (2). Last evaluated 2025-10-18.

Conditions:
GATA4-related disorder. Also called: GATA4-related condition. Identifiers: MedGen CN860321.

Submissions (2):

PreventionGenetics, part of Exact Sciences
Classification: Uncertain significance for GATA4-related condition. Last evaluated: 2025-10-18. Review status: criteria provided, single submitter. Criteria: ACMG Guidelines, 2015. Collection method: clinical testing. Allele origin: germline.
Comment: The GATA4 c.558C>A variant is predicted to result in the amino acid substitution p.Ser186Arg. To our knowledge, this variant has not been reported in the literature or in a large population database (gnomAD), indicating this variant is rare. At this time, the clinical significance of this variant is uncertain due to the absence of conclusive functional and genetic evidence.

GeneDx
Classification: Uncertain significance. Last evaluated: 2025-04-23. Review status: criteria provided, single submitter. Criteria: GeneDx Variant Classification Process June 2021. Collection method: clinical testing. Allele origin: germline. Affected: yes.
Comment: Not observed at significant frequency in large population cohorts (gnomAD); In silico analysis indicates that this missense variant does not alter protein structure/function; Has not been previously published as pathogenic or benign to our knowledge